The following is an entry in ClinVar:

NM_001267550.2(TTN):c.35101G>T (p.Glu11701Ter)

Gene: TTN (titin; minus strand). Cytogenetic location: 2q31.2.
Variant type: single nucleotide variant.
Coding change: c.35101G>T on transcript NM_001267550.2 (MANE Select); coding-DNA position 35101, G replaced by T.
Protein change: p.Glu11701Ter; replaces glutamic acid 11701 with a stop codon.
Molecular consequence: nonsense. On other transcripts: intron variant (3).
Genome position (GRCh38, 1-based): chr2:178,672,097, C>A on the plus strand (G>T on the coding strand, the complement: TTN is on the minus strand). VCF-style: chr2-178672097-C-A. GRCh37 (hg19) VCF-style: chr2-179536824-C-A.
Other names: c.13283-29780G>T (NM_003319.4); c.13859-29780G>T (NM_133437.4); c.13658-29780G>T (NM_133432.3); c.33979G>T, p.Glu11327Ter (NM_001256850.1); c.31198G>T, p.Glu10400Ter (NM_133378.4); short protein forms E10400*, E11701*, E11327*.
Identifiers: ClinVar variation 4790161 (VCV004790161.1).

ClinVar aggregate classification (germline): Likely pathogenic (1 of 4 stars; one submission).

Conditions:
Autosomal recessive limb-girdle muscular dystrophy type 2J (LGMDR10). Also called: Limb-girdle muscular dystrophy, type 2J; MUSCULAR DYSTROPHY, LIMB-GIRDLE, AUTOSOMAL RECESSIVE 10. Identifiers: Orphanet 140922, MedGen C1837342, MONDO:0012127, OMIM 608807.
Dilated cardiomyopathy 1G (CMD1G). Identifiers: Orphanet 154, MedGen C1858763, MONDO:0011400, OMIM 604145.

Submission:

Labcorp Genetics (formerly Invitae), Labcorp
Classification: Likely pathogenic for Dilated cardiomyopathy 1G; Autosomal recessive limb-girdle muscular dystrophy type 2J. Last evaluated: 2025-12-19. Review status: criteria provided, single submitter. Criteria: Invitae Variant Classification Sherloc (09022015). Collection method: clinical testing. Allele origin: germline.
Comment: This sequence change creates a premature translational stop signal (p.Glu11701*) in the TTN gene. While this is not anticipated to result in nonsense mediated decay, it is expected to create a truncated TTN protein. This variant is not present in population databases (gnomAD no frequency). This variant has not been reported in the literature in individuals affected with TTN-related conditions. This variant is located in the I band of TTN (PMID: 25589632). Truncating variants in this region have been reported in individuals affected with autosomal recessive centronuclear myopathy (PMID: 23975875, internal data). Truncating variants in this region have also been identified in individuals affected with autosomal dominant dilated cardiomyopathy and/or cardio-related conditions (PMID: 27869827, 32964742, internal data). In summary, the currently available evidence indicates that the variant is pathogenic, but additional data are needed to prove that conclusively. Therefore, this variant has been classified as Likely Pathogenic.

Literature cited by the submitters: PubMed 25589632; PubMed 23975875; PubMed 27869827; PubMed 32964742.